The following is an entry in ClinVar:

ClinVar aggregate classification (germline): Uncertain significance (1 of 4 stars; one submission).

Conditions:
Dilated cardiomyopathy 1HH (CMD1HH). Identifiers: Orphanet 154, MedGen C3151293, MONDO:0013479, OMIM 613881.
Myofibrillar myopathy 6. Identifiers: Orphanet 199340, MedGen C2751831, MONDO:0013061, OMIM 612954.

Submission:

Labcorp Genetics (formerly Invitae), Labcorp
Classification: Uncertain significance for Dilated cardiomyopathy 1HH; Myofibrillar myopathy 6. Last evaluated: 2022-10-26. Review status: criteria provided, single submitter. Criteria: Invitae Variant Classification Sherloc (09022015). Collection method: clinical testing. Allele origin: germline.
Comment: Advanced modeling of protein sequence and biophysical properties (such as structural, functional, and spatial information, amino acid conservation, physicochemical variation, residue mobility, and thermodynamic stability) performed at Invitae indicates that this missense variant is expected to disrupt BAG3 protein function. In summary, the available evidence is currently insufficient to determine the role of this variant in disease. Therefore, it has been classified as a Variant of Uncertain Significance. This variant has not been reported in the literature in individuals affected with BAG3-related conditions. This sequence change replaces glutamic acid, which is acidic and polar, with aspartic acid, which is acidic and polar, at codon 456 of the BAG3 protein (p.Glu456Asp). This variant is not present in population databases (gnomAD no frequency).

NM_004281.4(BAG3):c.1368G>C (p.Glu456Asp)

Gene: BAG3 (BAG cochaperone 3; plus strand). Cytogenetic location: 10q26.11.
Variant type: single nucleotide variant.
Coding change: c.1368G>C on transcript NM_004281.4 (MANE Select); coding-DNA position 1368, G replaced by C.
Protein change: p.Glu456Asp; replaces glutamic acid 456 with aspartic acid.
Molecular consequence: missense variant.
Genome position (GRCh38, 1-based): chr10:119,676,922, G>C. VCF-style: chr10-119676922-G-C. GRCh37 (hg19) VCF-style: chr10-121436434-G-C.
Other names: short protein forms E456D.
Identifiers: ClinVar variation 1722198 (VCV001722198.5), dbSNP rs2494023891, ClinGen allele CA378297176.